The following is an entry in ClinVar:

NM_003242.6(TGFBR2):c.656T>A (p.Ile219Asn)

Gene: TGFBR2 (transforming growth factor beta receptor 2; plus strand). Cytogenetic location: 3p24.1.
Variant type: single nucleotide variant.
Coding change: c.656T>A on transcript NM_003242.6 (MANE Select); coding-DNA position 656, T replaced by A.
Protein change: p.Ile219Asn; replaces isoleucine 219 with asparagine.
Molecular consequence: missense variant.
Genome position (GRCh38, 1-based): chr3:30,671,839, T>A. VCF-style: chr3-30671839-T-A. GRCh37 (hg19) VCF-style: chr3-30713331-T-A.
Other names: c.731T>A, p.Ile244Asn (NM_001024847.3); c.839T>A, p.Ile280Asn (NM_001407126.1); c.764T>A, p.Ile255Asn (NM_001407127.1); c.683T>A, p.Ile228Asn (NM_001407128.1); c.659T>A, p.Ile220Asn (NM_001407129.1); c.656T>A, p.Ile219Asn (NM_001407130.1); c.551T>A, p.Ile184Asn (NM_001407132.1, NM_001407133.1, NM_001407134.1 and 2 more transcripts); c.371T>A, p.Ile124Asn (NM_001407137.1); and 1 more; short protein forms I219N, I244N, I228N, I280N, I255N, I184N, I220N, I99N.
Identifiers: ClinVar variation 1332449 (VCV001332449.4), dbSNP rs2125433876, ClinGen allele CA351807581.

ClinVar aggregate classification (germline): Uncertain significance (1 of 4 stars; one submission).

Conditions:
Familial thoracic aortic aneurysm and aortic dissection (TAAD). Also called: Thoracic aortic aneurysms and dissections. Identifiers: Orphanet 91387, MedGen C4707243, MONDO:0019625.

Submission:

Color Diagnostics, LLC DBA Color Health
Classification: Uncertain significance for Familial thoracic aortic aneurysm and aortic dissection. Last evaluated: 2024-03-06. Review status: criteria provided, single submitter. Criteria: ACMG Guidelines, 2015. Collection method: clinical testing. Allele origin: germline.
Comment: This missense variant replaces isoleucine with asparagine at codon 219 of the TGFBR2 protein. Computational prediction suggests that this variant may not impact protein structure and function (internally defined REVEL score threshold <= 0.5, PMID: 27666373). To our knowledge, functional studies have not been reported for this variant. This variant has not been reported in individuals affected with cardiovascular disorders in the literature. This variant has not been identified in the general population by the Genome Aggregation Database (gnomAD). The available evidence is insufficient to determine the role of this variant in disease conclusively. Therefore, this variant is classified as a Variant of Uncertain Significance.